The following is an entry in ClinVar:

ClinVar aggregate classification (germline): Uncertain significance (1 of 4 stars; one submission).

Conditions:
Imerslund-Grasbeck syndrome. Also called: Imerslund-Gräsbeck syndrome; ENTEROCYTE COBALAMIN MALABSORPTION; ENTEROCYTE INTRINSIC FACTOR RECEPTOR, DEFECT OF; PERNICIOUS ANEMIA, JUVENILE, DUE TO SELECTIVE INTESTINAL MALABSORPTION OF VITAMIN B12, WITH PROTEINURIA; Megaloblastic anemia due to inborn errors of metabolism. Identifiers: Orphanet 35858, MedGen C4551825, MONDO:0009853.

Allele frequency attached by ClinVar (database versions not stated): gnomAD exomes below 0.00001.
gnomAD v4.1: 2 of 1,609,492 alleles (0.00012%); highest among the groups gnomAD compares: South Asian, 0.0022%; no homozygotes.

Submission:

Labcorp Genetics (formerly Invitae), Labcorp
Classification: Uncertain significance for Imerslund-Grasbeck syndrome. Last evaluated: 2021-11-15. Review status: criteria provided, single submitter. Criteria: Invitae Variant Classification Sherloc (09022015). Collection method: clinical testing. Allele origin: germline.
Comment: Algorithms developed to predict the effect of missense changes on protein structure and function are either unavailable or do not agree on the potential impact of this missense change (SIFT: "Tolerated"; PolyPhen-2: "Possibly Damaging"; Align-GVGD: "Class C0"). In summary, the available evidence is currently insufficient to determine the role of this variant in disease. Therefore, it has been classified as a Variant of Uncertain Significance. This variant has not been reported in the literature in individuals affected with CUBN-related conditions. This variant is not present in population databases (gnomAD no frequency). This sequence change replaces threonine, which is neutral and polar, with alanine, which is neutral and non-polar, at codon 2376 of the CUBN protein (p.Thr2376Ala).

NM_001081.4(CUBN):c.7126A>G (p.Thr2376Ala)

Gene: CUBN (cubilin; minus strand). Cytogenetic location: 10p13.
Variant type: single nucleotide variant.
Coding change: c.7126A>G on transcript NM_001081.4 (MANE Select); coding-DNA position 7126, A replaced by G.
Protein change: p.Thr2376Ala; replaces threonine 2376 with alanine.
Molecular consequence: missense variant.
Genome position (GRCh38, 1-based): chr10:16,915,905, T>C on the plus strand (A>G on the coding strand, the complement: CUBN is on the minus strand). VCF-style: chr10-16915905-T-C. GRCh37 (hg19) VCF-style: chr10-16957904-T-C.
Other names: short protein forms T2376A.
Identifiers: ClinVar variation 1489131 (VCV001489131.6), dbSNP rs2131458000, ClinGen allele CA376146407.